The following is an entry in ClinVar:

NM_003839.4(TNFRSF11A):c.1704C>T (p.Arg568=)

Gene: TNFRSF11A (TNF receptor superfamily member 11a; plus strand). Cytogenetic location: 18q21.33.
Variant type: single nucleotide variant.
Coding change: c.1704C>T on transcript NM_003839.4 (MANE Select); coding-DNA position 1704, C replaced by T.
Protein change: p.Arg568=; no amino-acid change (arginine 568 retained).
Molecular consequence: synonymous variant. On other transcripts: 3 prime UTR variant (1).
Genome position (GRCh38, 1-based): chr18:62,384,887, C>T. VCF-style: chr18-62384887-C-T. GRCh37 (hg19) VCF-style: chr18-60052120-C-T.
Other names: c.*128C>T (NM_001270949.2); c.867C>T, p.Arg289= (NM_001270950.2); c.753C>T, p.Arg251= (NM_001270951.2); c.1662C>T, p.Arg554= (NM_001278268.2).
Identifiers: ClinVar variation 3050596 (VCV003050596.3), dbSNP rs1911584392, ClinGen allele CA504299352.

ClinVar aggregate classification (germline): Likely benign. Review status: criteria provided, single submitter (1 of 4 stars). 2 submissions from 2 submitters: Likely benign (1). 1 of the submissions does not count toward it. Last evaluated 2025-12-23.

Conditions:
TNFRSF11A-related disorder. Also called: TNFRSF11A-related condition.

Allele frequency attached by ClinVar (database versions not stated): gnomAD exomes below 0.00001; gnomAD 0.00001.
gnomAD v4.1: 3 of 1,590,012 alleles (0.00019%); highest among the groups gnomAD compares: Admixed American, 0.0035%; no homozygotes.

Submissions (2):

Labcorp Genetics (formerly Invitae), Labcorp
Classification: Likely benign. Last evaluated: 2025-12-23. Review status: criteria provided, single submitter. Criteria: Invitae Variant Classification Sherloc (09022015). Collection method: clinical testing. Allele origin: germline.

PreventionGenetics, part of Exact Sciences
Classification: Likely benign for TNFRSF11A-related condition. Last evaluated: 2023-08-07. Review status: no assertion criteria provided. Collection method: clinical testing. Allele origin: germline. Not counted in ClinVar's aggregate classification.
Comment: This variant is classified as likely benign based on ACMG/AMP sequence variant interpretation guidelines (Richards et al. 2015 PMID: 25741868, with internal and published modifications).